The following is an entry in ClinVar:

ClinVar aggregate classification (germline): Uncertain significance. Review status: criteria provided, multiple submitters, no conflicts (2 of 4 stars). 2 submissions from 2 submitters: Uncertain significance (2). Last evaluated 2026-05-14.

Conditions:
Hereditary cancer-predisposing syndrome. Also called: Tumor predisposition; Neoplastic Syndromes, Hereditary; Hereditary Cancer Syndrome; Hereditary neoplastic syndrome. Identifiers: Orphanet 140162, MedGen C0027672, MeSH D009386, MONDO:0015356.

gnomAD v4.1: 1 of 1,614,136 alleles (0.000062%); highest among the groups gnomAD compares: Non-Finnish European, 0.000085%; no homozygotes.

Submissions (2):

Ambry Genetics
Classification: Uncertain significance for Hereditary cancer-predisposing syndrome. Last evaluated: 2026-05-14. Review status: criteria provided, single submitter. Criteria: Ambry Variant Classification Scheme 2023. Collection method: clinical testing. Allele origin: germline.
Comment: The p.I734F variant (also known as c.2200A>T), located in coding exon 20 of the POLE gene, results from an A to T substitution at nucleotide position 2200. The isoleucine at codon 734 is replaced by phenylalanine, an amino acid with highly similar properties. This amino acid position is conserved. In addition, this alteration is predicted to be tolerated by in silico analysis. Based on the available evidence, the clinical significance of this variant remains unclear.

Labcorp Genetics (formerly Invitae), Labcorp
Classification: Uncertain significance. Last evaluated: 2021-09-28. Review status: criteria provided, single submitter. Criteria: Invitae Variant Classification Sherloc (09022015). Collection method: clinical testing. Allele origin: germline.
Comment: This sequence change replaces isoleucine with phenylalanine at codon 734 of the POLE protein (p.Ile734Phe). The isoleucine residue is moderately conserved and there is a small physicochemical difference between isoleucine and phenylalanine. This variant is not present in population databases (ExAC no frequency). This variant has not been reported in the literature in individuals affected with POLE-related conditions. Algorithms developed to predict the effect of missense changes on protein structure and function are either unavailable or do not agree on the potential impact of this missense change (SIFT: "Deleterious"; PolyPhen-2: "Benign"; Align-GVGD: "Class C0"). In summary, the available evidence is currently insufficient to determine the role of this variant in disease. Therefore, it has been classified as a Variant of Uncertain Significance.

NM_006231.4(POLE):c.2200A>T (p.Ile734Phe)

Gene: POLE (DNA polymerase epsilon, catalytic subunit; minus strand). Cytogenetic location: 12q24.33.
Variant type: single nucleotide variant.
Coding change: c.2200A>T on transcript NM_006231.4 (MANE Select); coding-DNA position 2200, A replaced by T.
Protein change: p.Ile734Phe; replaces isoleucine 734 with phenylalanine.
Molecular consequence: missense variant.
Genome position (GRCh38, 1-based): chr12:132,667,622, T>A on the plus strand (A>T on the coding strand, the complement: POLE is on the minus strand). VCF-style: chr12-132667622-T-A. GRCh37 (hg19) VCF-style: chr12-133244208-T-A.
Other names: c.2200A>T (NM_006231.2); short protein forms I734F.
Identifiers: ClinVar variation 1430663 (VCV001430663.7), dbSNP rs776323425, ClinGen allele CA387352314.